The following is an entry in ClinVar:

ClinVar aggregate classification (germline): Benign/Likely benign. Review status: criteria provided, multiple submitters, no conflicts (2 of 4 stars). 5 submissions from 5 submitters: Benign (2); Likely benign (2). 1 of the submissions does not count toward it. Last evaluated 2025-06-08.

Conditions:
KMT2D-related disorder. Also called: KMT2D-Related Disorders.
Dystonia, early-onset, and/or spastic paraplegia. Identifiers: MedGen C5562051, MONDO:0859215, OMIM 619681.
Kabuki syndrome. Also called: Kabuki make-up syndrome; NIIKAWA-KUROKI SYNDROME. Identifiers: Orphanet 2322, MedGen C0796004, MONDO:0016512.

Allele frequency attached by ClinVar (database versions not stated): gnomAD 0.00001 and 0.00002; TOPMed 0.00002.
gnomAD v4.1: 34 of 1,613,268 alleles (0.0021%); highest among the groups gnomAD compares: Middle Eastern, 0.033%; no homozygotes.

Submissions (5):

Labcorp Genetics (formerly Invitae), Labcorp
Classification: Benign for Kabuki syndrome. Last evaluated: 2025-06-08. Review status: criteria provided, single submitter. Criteria: Invitae Variant Classification Sherloc (09022015). Collection method: clinical testing. Allele origin: germline.

Blueprint Genetics
Classification: Likely benign. Last evaluated: 2024-11-20. Review status: criteria provided, single submitter. Criteria: ACMG Guidelines, 2015. Collection method: clinical testing. Allele origin: germline.

Genetic Services Laboratory, University of Chicago
Classification: Likely benign. Last evaluated: 2019-09-05. Review status: criteria provided, single submitter. Criteria: ACMG Guidelines, 2015. Collection method: clinical testing. Allele origin: germline. Affected: no.

Cambridge Genomics Laboratory, East Genomic Laboratory Hub, NHS Genomic Medicine Service
Classification: Benign for Dystonia, early-onset, and/or spastic paraplegia. Last evaluated: 2019-04-29. Review status: criteria provided, single submitter. Criteria: ACGS Best Practice Guidelines for Variant Classification in Rare Disease 2020. Collection method: clinical testing. Allele origin: germline. Affected: yes. Observed: 1 variant allele.

PreventionGenetics, part of Exact Sciences
Classification: Likely benign for KMT2D-related condition. Last evaluated: 2023-10-18. Review status: no assertion criteria provided. Collection method: clinical testing. Allele origin: germline. Not counted in ClinVar's aggregate classification.
Comment: This variant is classified as likely benign based on ACMG/AMP sequence variant interpretation guidelines (Richards et al. 2015 PMID: 25741868, with internal and published modifications).

NM_003482.4(KMT2D):c.1759G>C (p.Glu587Gln)

Gene: KMT2D (lysine methyltransferase 2D; minus strand). Cytogenetic location: 12q13.12.
Variant type: single nucleotide variant.
Coding change: c.1759G>C on transcript NM_003482.4 (MANE Select); coding-DNA position 1759, G replaced by C.
Protein change: p.Glu587Gln; replaces glutamic acid 587 with glutamine.
Molecular consequence: missense variant.
Genome position (GRCh38, 1-based): chr12:49,051,924, C>G on the plus strand (G>C on the coding strand, the complement: KMT2D is on the minus strand). VCF-style: chr12-49051924-C-G. GRCh37 (hg19) VCF-style: chr12-49445707-C-G.
Other names: short protein forms E587Q.
Identifiers: ClinVar variation 1336137 (VCV001336137.14), dbSNP rs199980307, ClinGen allele CA6548424.
Genomic context (GRCh38, chr12:49,051,924, plus strand): 5'-GAGACTCTTCAAATGGTGGGAACAGACGAGATGCCTCCGGTGGTGGAGACATGGGTGACT[C>G]TTCAGGTGGAGGGGACATGGGTGACTCCTCAGGTGGTGGAGACAGGCGAGATGCTTCAGG-3'
Protein context (NP_003473.3, residues 577-597): EESPMSPPPE[Glu587Gln]SPMSPPPEAS